The following is an entry in ClinVar:

ClinVar aggregate classification (germline): Likely benign. Review status: criteria provided, single submitter (1 of 4 stars). 3 submissions from 3 submitters: Likely benign (1). 2 of the submissions do not count toward it. Last evaluated 2024-09-24.

Conditions:
SCAPER-related disorder. Also called: SCAPER-related condition.
Retinal dystrophy. Also called: Inherited retinal dystrophy. Identifiers: Orphanet 71862, MedGen C0854723, MeSH D058499, MONDO:0019118, HP:0000556.

Allele frequency attached by ClinVar (database versions not stated): gnomAD exomes 0.00047; ExAC 0.00086; gnomAD 0.00166; TOPMed 0.00175; ESP Exome Variant Server 0.00218; 1000 Genomes Project 0.00260; 1000 Genomes Project 30x 0.00328.
gnomAD v4.1: 981 of 1,613,992 alleles (0.061%); highest among the groups gnomAD compares: Middle Eastern, 0.81%; 2 homozygotes.

Submissions (3):

Blueprint Genetics
Classification: Likely benign. Last evaluated: 2024-09-24. Review status: criteria provided, single submitter. Criteria: ACMG Guidelines, 2015. Collection method: clinical testing. Allele origin: germline.

PreventionGenetics, part of Exact Sciences
Classification: Likely benign for SCAPER-related condition. Last evaluated: 2024-07-16. Review status: no assertion criteria provided. Collection method: clinical testing. Allele origin: germline. Not counted in ClinVar's aggregate classification.
Comment: This variant is classified as likely benign based on ACMG/AMP sequence variant interpretation guidelines (Richards et al. 2015 PMID: 25741868, with internal and published modifications).

Institute of Human Genetics, Univ. Regensburg, Univ. Regensburg
Classification: Uncertain significance for Retinal dystrophy. Last evaluated: 2022-01-01. Review status: no assertion criteria provided. Criteria: ACMG Guidelines, 2015. Collection method: clinical testing. Allele origin: germline. Affected: yes. Not counted in ClinVar's aggregate classification.

NM_020843.4(SCAPER):c.3200A>G (p.Asn1067Ser)

Genes: SCAPER (S-phase cyclin A associated protein in the ER; minus strand), LOC126862183 (BRD4-independent group 4 enhancer GRCh37_chr15:76726060-76727259; plus strand). Cytogenetic location: 15q24.3.
Variant type: single nucleotide variant.
Coding change: c.3200A>G on transcript NM_020843.4 (MANE Select); coding-DNA position 3200, A replaced by G.
Protein change: p.Asn1067Ser; replaces asparagine 1067 with serine.
Molecular consequence: missense variant. On other transcripts: non-coding transcript variant (1).
Genome position (GRCh38, 1-based): chr15:76,434,189, T>C on the plus strand (A>G on the coding strand, the complement: SCAPER is on the minus strand). VCF-style: chr15-76434189-T-C. GRCh37 (hg19) VCF-style: chr15-76726530-T-C.
Other names: c.2462A>G, p.Asn821Ser (NM_001145923.2); c.3218A>G, p.Asn1073Ser (NM_001353009.2); c.2798A>G, p.Asn933Ser (NM_001353010.2, NM_001353012.2); c.2816A>G, p.Asn939Ser (NM_001353011.2); short protein forms N1067S, N1073S, N821S, N933S, N939S.
Identifiers: ClinVar variation 3044749 (VCV003044749.4), dbSNP rs35382573, ClinGen allele CA7674500.